The following is an entry in ClinVar:

ClinVar aggregate classification (germline): Conflicting classifications of pathogenicity. Review status: criteria provided, conflicting classifications (1 of 4 stars). 3 submissions from 3 submitters: Uncertain significance (2); Likely benign (1). Last evaluated 2025-10-01.

Conditions:
Alagille syndrome due to a NOTCH2 point mutation. Also called: Alagille syndrome 2. Identifiers: Orphanet 261629, Orphanet 52, MedGen C1857761, MONDO:0012439, OMIM 610205.
Hajdu-Cheney syndrome (HJCYS). Also called: Acroosteolysis dominant type; ACROOSTEOLYSIS WITH OSTEOPOROSIS AND CHANGES IN SKULL AND MANDIBLE; SERPENTINE FIBULA-POLYCYSTIC KIDNEY SYNDROME. Identifiers: Orphanet 955, MedGen C0917715, MONDO:0007057, OMIM 102500.
NOTCH2-related disorder. Also called: NOTCH2-related condition.

Allele frequency attached by ClinVar (database versions not stated): TOPMed below 0.00001; ExAC 0.00001; gnomAD 0.00002; ESP Exome Variant Server 0.00008.
gnomAD v4.1: 31 of 1,614,008 alleles (0.0019%); highest among the groups gnomAD compares: East Asian, 0.0022%; no homozygotes.

Submissions (3):

Labcorp Genetics (formerly Invitae), Labcorp
Classification: Uncertain significance for Hajdu-Cheney syndrome. Last evaluated: 2025-10-01. Review status: criteria provided, single submitter. Criteria: Invitae Variant Classification Sherloc (09022015). Collection method: clinical testing. Allele origin: germline.
Comment: This sequence change replaces arginine, which is basic and polar, with histidine, which is basic and polar, at codon 2044 of the NOTCH2 protein (p.Arg2044His). This variant is present in population databases (rs145077404, gnomAD 0.008%). This variant has not been reported in the literature in individuals affected with NOTCH2-related conditions. ClinVar contains an entry for this variant (Variation ID: 2726486). Invitae Evidence Modeling of protein sequence and biophysical properties (such as structural, functional, and spatial information, amino acid conservation, physicochemical variation, residue mobility, and thermodynamic stability) indicates that this missense variant is not expected to disrupt NOTCH2 protein function with a negative predictive value of 80%. In summary, the available evidence is currently insufficient to determine the role of this variant in disease. Therefore, it has been classified as a Variant of Uncertain Significance.

PreventionGenetics, part of Exact Sciences
Classification: Uncertain significance for NOTCH2-related condition. Last evaluated: 2025-06-25. Review status: criteria provided, single submitter. Criteria: ACMG Guidelines, 2015. Collection method: clinical testing. Allele origin: germline.
Comment: The NOTCH2 c.6131G>A variant is predicted to result in the amino acid substitution p.Arg2044His. To our knowledge, this variant has not been reported in the literature. This variant is reported in 0.0080% of alleles in individuals of European (Finnish) descent in gnomAD. At this time, the clinical significance of this variant is uncertain due to the absence of conclusive functional and genetic evidence.

Fulgent Genetics
Classification: Likely benign for Hajdu-Cheney syndrome; Alagille syndrome due to a NOTCH2 point mutation. Last evaluated: 2024-02-27. Review status: criteria provided, single submitter. Criteria: ACMG Guidelines, 2015. Collection method: clinical testing. Allele origin: germline.

NM_024408.4(NOTCH2):c.6131G>A (p.Arg2044His)

Gene: NOTCH2 (notch receptor 2; minus strand). Cytogenetic location: 1p12.
Variant type: single nucleotide variant.
Coding change: c.6131G>A on transcript NM_024408.4 (MANE Select); coding-DNA position 6131, G replaced by A.
Protein change: p.Arg2044His; replaces arginine 2044 with histidine.
Molecular consequence: missense variant.
Genome position (GRCh38, 1-based): chr1:119,916,591, C>T on the plus strand (G>A on the coding strand, the complement: NOTCH2 is on the minus strand). VCF-style: chr1-119916591-C-T. GRCh37 (hg19) VCF-style: chr1-120459214-C-T.
Other names: c.6131G>A (NM_024408.3); short protein forms R2044H.
Identifiers: ClinVar variation 2726486 (VCV002726486.5), dbSNP rs145077404, ClinGen allele CA1039486.